The following is an entry in ClinVar:

ClinVar aggregate classification (germline): Benign. Review status: criteria provided, single submitter (1 of 4 stars). 2 submissions from 2 submitters: Benign (1). 1 of the submissions does not count toward it. Last evaluated 2025-07-07.

Conditions:
Gorlin syndrome. Also called: Basal cell nevus syndrome; Nevoid Basal Cell Carcinoma Syndrome. Identifiers: Orphanet 377, MedGen C0004779, MONDO:0007187.
PTCH2-related disorder. Also called: PTCH2-related condition; PTCH2-related disease.

Allele frequency attached by ClinVar (database versions not stated): gnomAD 0.00004 and 0.00006; TOPMed 0.00015; 1000 Genomes Project 30x 0.00016; 1000 Genomes Project 0.00020; ExAC 0.00022.
gnomAD v4.1: 117 of 1,613,736 alleles (0.0073%); highest among the groups gnomAD compares: East Asian, 0.21%; no homozygotes.

Submissions (2):

Labcorp Genetics (formerly Invitae), Labcorp
Classification: Benign for Gorlin syndrome. Last evaluated: 2025-07-07. Review status: criteria provided, single submitter. Criteria: Invitae Variant Classification Sherloc (09022015). Collection method: clinical testing. Allele origin: germline.

PreventionGenetics, part of Exact Sciences
Classification: Likely benign for PTCH2-related condition. Last evaluated: 2020-07-09. Review status: no assertion criteria provided. Collection method: clinical testing. Allele origin: germline. Not counted in ClinVar's aggregate classification.
Comment: This variant is classified as likely benign based on ACMG/AMP sequence variant interpretation guidelines (Richards et al. 2015 PMID: 25741868, with internal and published modifications).

NM_003738.5(PTCH2):c.2142G>A (p.Thr714=)

Gene: PTCH2 (patched 2; minus strand). Cytogenetic location: 1p34.1.
Variant type: single nucleotide variant.
Coding change: c.2142G>A on transcript NM_003738.5 (MANE Select); coding-DNA position 2142, G replaced by A.
Protein change: p.Thr714=; no amino-acid change (threonine 714 retained).
Molecular consequence: synonymous variant.
Genome position (GRCh38, 1-based): chr1:44,827,631, C>T on the plus strand (G>A on the coding strand, the complement: PTCH2 is on the minus strand). VCF-style: chr1-44827631-C-T. GRCh37 (hg19) VCF-style: chr1-45293303-C-T.
Other names: c.2142G>A, p.Thr714= (NM_001166292.2).
Identifiers: ClinVar variation 524619 (VCV000524619.14), dbSNP rs200329309, ClinGen allele CA823093.